The following is an entry in ClinVar:

NM_001330260.2(SCN8A):c.1423C>T (p.Arg475Trp)

Gene: SCN8A (sodium voltage-gated channel alpha subunit 8; plus strand). Cytogenetic location: 12q13.13.
Variant type: single nucleotide variant.
Coding change: c.1423C>T on transcript NM_001330260.2 (MANE Select); coding-DNA position 1423, C replaced by T.
Protein change: p.Arg475Trp; replaces arginine 475 with tryptophan.
Molecular consequence: missense variant.
Genome position (GRCh38, 1-based): chr12:51,706,503, C>T. VCF-style: chr12-51706503-C-T. GRCh37 (hg19) VCF-style: chr12-52100287-C-T.
Other names: NM_001330260.2(SCN8A):c.1423C>T; p.Arg475Trp; c.1423C>T, p.Arg475Trp (NM_001177984.3, NM_001369788.1, NM_014191.4); c.1423C>T (NM_014191.2); short protein forms R475W.
Identifiers: ClinVar variation 1343019 (VCV001343019.8), dbSNP rs771577480, ClinGen allele CA6571260.

ClinVar aggregate classification (germline): Likely benign. Review status: reviewed by expert panel (3 of 4 stars). 4 submissions from 4 submitters: Likely benign (1). 3 of the submissions do not count toward it. Last evaluated 2025-09-23.

Conditions:
Inborn genetic diseases. Identifiers: MedGen C0950123, MeSH D030342.
Complex neurodevelopmental disorder. Identifiers: Orphanet 528084, MedGen C5568766, MONDO:0100038.
Early-infantile DEE. Also called: Early infantile epileptic encephalopathy; Early infantile epileptic encephalopathy with suppression bursts; Ohtahara syndrome. Identifiers: Orphanet 1934, MedGen C0393706, MONDO:0800491.

Allele frequency attached by ClinVar (database versions not stated): gnomAD 0.00001; gnomAD exomes 0.00001 and 0.00003; TOPMed 0.00002; ExAC 0.00004.
gnomAD v4.1: 12 of 1,604,654 alleles (0.00075%); highest among the groups gnomAD compares: Admixed American, 0.0034%; no homozygotes.

Submissions (4):

ClinGen Epilepsy Sodium Channel Variant Curation Expert Panel, Clingen
Classification: Likely benign for Complex neurodevelopmental disorder. Last evaluated: 2025-09-23. Review status: reviewed by expert panel. Criteria: ClinGen EpilepsySCN ACMG Specifications SCN8A V2.0.0. Collection method: curation. Allele origin: germline. Inheritance: Autosomal dominant inheritance.
Comment: The c.1423C>T (NM_001330260.2) variant in SCN8A is a missense variant predicted to cause substitution of Arginine by Tryptophan at amino acid 475 (p.Arg475Trp). This variant has been reported in 3 probands meeting phenotypic criteria for Complex Neurodevelopmental Disorder (Internal lab contributors). However, PS4 cannot be applied because the gnomAD frequency meets BS1 and 1 proband may have an alternative explanation for their phenotype. The highest population minor allele frequency in gnomAD v4.1.0 is 0.003412% (2/58612 alleles) in Admixed American population, which is higher than the ClinGen Epilepsy Sodium Channel VCEP threshold threshold (0.0002%) for BS1, and therefore meets this criterion (BS1). The computational predictor REVEL gives a score of 0.503, which is neither above nor below the thresholds predicting a damaging or benign impact on SCN8A function. Another missense variant (c.1424G>A, p.Arg475Gln) in the same codon has been reported (ClinVar Variation ID: 167654). However, the highest population minor allele frequency for this variant in gnomAD v4.1.0 is 0.08821% in African/African American population. Therefore, this variant has not yet met the criteria to be classified as pathogenic or likely pathogenic by the ClinGen Epilepsy Sodium Channel VCEP (PM5 not met). In summary, this variant meets the criteria to be classified as likely benign for autosomal dominant Complex Neurodevelopmental Disorder based on the ACMG/AMP criteria applied, as specified by the ClinGen Epilepsy Sodium Channel VCEP: BS1. (Epilepsy Sodium Channel VCEP Specifications version 2.0.0; Approved 09/08/2025)

Ambry Genetics
Classification: Uncertain significance for Inborn genetic diseases. Last evaluated: 2024-06-28. Review status: criteria provided, single submitter. Criteria: Ambry Variant Classification Scheme 2023. Collection method: clinical testing. Allele origin: germline. Not counted in ClinVar's aggregate classification.
Comment: Unlikely to be causative of SCN8A-related seizure disorder (AD) Based on insufficient or conflicting evidence, the clinical significance of this alteration remains unclear.

Labcorp Genetics (formerly Invitae), Labcorp
Classification: Uncertain significance for Early-infantile DEE. Last evaluated: 2024-05-08. Review status: criteria provided, single submitter. Criteria: Invitae Variant Classification Sherloc (09022015). Collection method: clinical testing. Allele origin: germline. Not counted in ClinVar's aggregate classification.
Comment: This sequence change replaces arginine, which is basic and polar, with tryptophan, which is neutral and slightly polar, at codon 475 of the SCN8A protein (p.Arg475Trp). This variant is present in population databases (rs771577480, gnomAD 0.01%). This variant has not been reported in the literature in individuals affected with SCN8A-related conditions. ClinVar contains an entry for this variant (Variation ID: 1343019). Advanced modeling of protein sequence and biophysical properties (such as structural, functional, and spatial information, amino acid conservation, physicochemical variation, residue mobility, and thermodynamic stability) performed at Invitae indicates that this missense variant is not expected to disrupt SCN8A protein function with a negative predictive value of 95%. In summary, the available evidence is currently insufficient to determine the role of this variant in disease. Therefore, it has been classified as a Variant of Uncertain Significance.

GeneDx
Classification: Uncertain significance. Last evaluated: 2022-03-03. Review status: criteria provided, single submitter. Criteria: GeneDx Variant Classification Process June 2021. Collection method: clinical testing. Allele origin: germline. Affected: yes. Not counted in ClinVar's aggregate classification.
Comment: Missense variants in this gene are often considered pathogenic (HGMD); In silico analysis supports that this missense variant has a deleterious effect on protein structure/function; This substitution is predicted to be in the cytoplasmic loop between the first and second homologous domains; Has not been previously published as pathogenic or benign to our knowledge